The following is an entry in ClinVar:

ClinVar aggregate classification (germline): Pathogenic (1 of 4 stars; one submission).

Conditions:
Epidermodysplasia verruciformis. Identifiers: Orphanet 302, MedGen C0014522, MONDO:0009176.

Submission:

Labcorp Genetics (formerly Invitae), Labcorp
Classification: Pathogenic for Epidermodysplasia verruciformis. Last evaluated: 2024-12-31. Review status: criteria provided, single submitter. Criteria: Invitae Variant Classification Sherloc (09022015). Collection method: clinical testing. Allele origin: germline.
Comment: This sequence change creates a premature translational stop signal (p.Asp251Glyfs*11) in the TMC8 gene. It is expected to result in an absent or disrupted protein product. Loss-of-function variants in TMC8 are known to be pathogenic (PMID: 12426567, 22158547). This variant is present in population databases (rs757985749, gnomAD 0.04%). This variant has not been reported in the literature in individuals affected with TMC8-related conditions. For these reasons, this variant has been classified as Pathogenic.

Literature cited by the submitters: PubMed 12426567; PubMed 22158547.

NM_152468.5(TMC8):c.752_765del (p.Asp251fs)

Gene: TMC8 (transmembrane channel like 8; plus strand). Cytogenetic location: 17q25.3.
Variant type: Deletion.
Coding change: c.752_765del on transcript NM_152468.5 (MANE Select); coding-DNA positions 752 to 765, 14 bases deleted (ACTTCTGCATCCGG).
Protein change: p.Asp251fs; shifts the reading frame from aspartic acid 251.
Molecular consequence: frameshift variant.
Genome position (GRCh38, 1-based): chr17:78,133,936-78,133,949, ACTTCTGCATCCGG deleted; deleting any 14 consecutive bases within chr17:78,133,934-78,133,949 gives the same sequence; the c. name uses the placement nearest the transcript's 3' end. VCF-style (leftmost placement, unchanged base first): chr17-78133933-GGGACTTCTGCATCC-G. GRCh37 (hg19) VCF-style: chr17-76130014-GGGACTTCTGCATCC-G.
Other names: short protein forms D251fs.
Identifiers: ClinVar variation 3717356 (VCV003717356.2).